The following is an entry in ClinVar:

ClinVar aggregate classification (germline): Uncertain significance (1 of 4 stars; one submission).

Conditions:
Primary ciliary dyskinesia. Also called: Ciliary dyskinesia. Identifiers: Orphanet 244, MedGen C0008780, MONDO:0016575, HP:0012265.

Allele frequency attached by ClinVar (database versions not stated): gnomAD exomes below 0.00001.
gnomAD v4.1: 2 of 1,613,928 alleles (0.00012%); highest among the groups gnomAD compares: Admixed American, 0.0033%; no homozygotes.

Submission:

Labcorp Genetics (formerly Invitae), Labcorp
Classification: Uncertain significance for Primary ciliary dyskinesia. Last evaluated: 2025-07-14. Review status: criteria provided, single submitter. Criteria: Invitae Variant Classification Sherloc (09022015). Collection method: clinical testing. Allele origin: germline.
Comment: This sequence change replaces aspartic acid, which is acidic and polar, with asparagine, which is neutral and polar, at codon 224 of the DNAH8 protein (p.Asp224Asn). This variant is present in population databases (no rsID available, gnomAD 0.006%). This variant has not been reported in the literature in individuals affected with DNAH8-related conditions. ClinVar contains an entry for this variant (Variation ID: 1715121). Experimental studies and prediction algorithms are not available or were not evaluated, and the functional significance of this variant is currently unknown. In summary, the available evidence is currently insufficient to determine the role of this variant in disease. Therefore, it has been classified as a Variant of Uncertain Significance.

NM_001206927.2(DNAH8):c.670G>A (p.Asp224Asn)

Gene: DNAH8 (dynein axonemal heavy chain 8; plus strand). Cytogenetic location: 6p21.2.
Variant type: single nucleotide variant.
Coding change: c.670G>A on transcript NM_001206927.2 (MANE Select); coding-DNA position 670, G replaced by A.
Protein change: p.Asp224Asn; replaces aspartic acid 224 with asparagine.
Molecular consequence: missense variant.
Genome position (GRCh38, 1-based): chr6:38,734,533, G>A. VCF-style: chr6-38734533-G-A. GRCh37 (hg19) VCF-style: chr6-38702309-G-A.
Other names: c.19G>A, p.Asp7Asn (NM_001371.4); short protein forms D224N, D7N.
Identifiers: ClinVar variation 1715121 (VCV001715121.6), dbSNP rs1009197625, ClinGen allele CA137573171.